The following is an entry in ClinVar:

NM_021942.6(TRAPPC11):c.205-10A>G

Gene: TRAPPC11 (trafficking protein particle complex subunit 11; plus strand). Cytogenetic location: 4q35.1.
Variant type: single nucleotide variant.
Coding change: c.205-10A>G on transcript NM_021942.6 (MANE Select); 10 bases into the intron before coding-DNA position 205, A replaced by G.
Molecular consequence: intron variant.
Genome position (GRCh38, 1-based): chr4:183,666,247, A>G. VCF-style: chr4-183666247-A-G. GRCh37 (hg19) VCF-style: chr4-184587400-A-G.
Other names: c.205-10A>G (NM_199053.3).
Identifiers: ClinVar variation 500423 (VCV000500423.11), dbSNP rs746348297, ClinGen allele CA3151530.

ClinVar aggregate classification (germline): Conflicting classifications of pathogenicity. Review status: criteria provided, conflicting classifications (1 of 4 stars). 4 submissions from 4 submitters: Likely pathogenic (1); Uncertain significance (3). Last evaluated 2025-12-15.

Conditions:
Autosomal recessive limb-girdle muscular dystrophy type R18 (LGMDR18). Also called: MUSCULAR DYSTROPHY, LIMB-GIRDLE, AUTOSOMAL RECESSIVE 18; Autosomal recessive limb-girdle muscular dystrophy type 2S; Limb-girdle muscular dystrophy, type 2S. Identifiers: Orphanet 369840, MedGen C4517996, MONDO:0014144, OMIM 615356.

Allele frequency attached by ClinVar (database versions not stated): gnomAD exomes 0.00002; ExAC 0.00004; gnomAD 0.00006 and 0.00007; TOPMed 0.00006.
gnomAD v4.1: 38 of 1,605,666 alleles (0.0024%); highest among the groups gnomAD compares: African/African-American, 0.0067%; no homozygotes.

Submissions (4):

GeneDx
Classification: Likely pathogenic. Last evaluated: 2025-12-15. Review status: criteria provided, single submitter. Criteria: GeneDx Variant Classification Process June 2021. Collection method: clinical testing. Allele origin: germline.
Comment: Not observed at significant frequency in large population cohorts (gnomAD); In silico analysis supports a deleterious effect on splicing; Has not been previously published as pathogenic or benign to our knowledge

Labcorp Genetics (formerly Invitae), Labcorp
Classification: Uncertain significance for Autosomal recessive limb-girdle muscular dystrophy type R18. Last evaluated: 2022-06-19. Review status: criteria provided, single submitter. Criteria: Invitae Variant Classification Sherloc (09022015). Collection method: clinical testing. Allele origin: germline.
Comment: This sequence change falls in intron 2 of the TRAPPC11 gene. It does not directly change the encoded amino acid sequence of the TRAPPC11 protein. This variant is present in population databases (rs746348297, gnomAD 0.01%). This variant has not been reported in the literature in individuals affected with TRAPPC11-related conditions. ClinVar contains an entry for this variant (Variation ID: 500423). Algorithms developed to predict the effect of sequence changes on RNA splicing suggest that this variant may disrupt the consensus splice site. In summary, the available evidence is currently insufficient to determine the role of this variant in disease. Therefore, it has been classified as a Variant of Uncertain Significance.

Eurofins Ntd Llc (ga)
Classification: Uncertain significance. Last evaluated: 2017-02-15. Review status: criteria provided, single submitter. Criteria: EGL Classification Definitions 2015. Collection method: clinical testing. Allele origin: germline. Observed: 2 variant alleles, 2 heterozygotes.

Juno Genomics, Hangzhou Juno Genomics, Inc
Classification: Uncertain significance for Autosomal recessive limb-girdle muscular dystrophy type R18. Review status: criteria provided, single submitter. Criteria: ACMG Guidelines, 2015. Collection method: clinical testing. Allele origin: germline.
Comment: Absent from controls (or at extremely low frequency if recessive) in Genome Aggregation Database.;Multiple lines of computational evidence support a deleterious effect on the gene or gene product.